The following is an entry in ClinVar:

NM_001376.5(DYNC1H1):c.7148G>T (p.Arg2383Leu)

Gene: DYNC1H1 (dynein cytoplasmic 1 heavy chain 1; plus strand). Cytogenetic location: 14q32.31.
Variant type: single nucleotide variant.
Coding change: c.7148G>T on transcript NM_001376.5 (MANE Select); coding-DNA position 7148, G replaced by T.
Protein change: p.Arg2383Leu; replaces arginine 2383 with leucine.
Molecular consequence: missense variant.
Genome position (GRCh38, 1-based): chr14:102,015,238, G>T. VCF-style: chr14-102015238-G-T. GRCh37 (hg19) VCF-style: chr14-102481575-G-T.
Other names: short protein forms R2383L.
Identifiers: ClinVar variation 2769590 (VCV002769590.3), dbSNP rs1028991666, ClinGen allele CA391060237.
Genomic context (GRCh38, chr14:102,015,238, plus strand): 5'-GGTTCAGTGAGGATGTGCTGAGCACCGACATGATCTTCAACAACTTCCTGGCCAGGCTGC[G>T]CAGCATCCCGCTGGATGAAGGGGAGGATGAGGCACAGCGGCGGCGTAAGGGCAAAGAGGA-3'
Protein context (NP_001367.2, residues 2373-2393): MIFNNFLARL[Arg2383Leu]SIPLDEGEDE

ClinVar aggregate classification (germline): Uncertain significance (1 of 4 stars; one submission).

Conditions:
Charcot-Marie-Tooth disease axonal type 2O. Also called: Charcot-Marie-Tooth disease, axonal, type 20; CHARCOT-MARIE-TOOTH NEUROPATHY, AXONAL, TYPE 2O; CHARCOT-MARIE-TOOTH DISEASE, AXONAL, AUTOSOMAL DOMINANT, TYPE 2O; Charcot-Marie-Tooth Neuropathy Type 2O. Identifiers: Orphanet 284232, MedGen C3280220, MONDO:0013644, OMIM 614228.

Submission:

Labcorp Genetics (formerly Invitae), Labcorp
Classification: Uncertain significance for Charcot-Marie-Tooth disease axonal type 2O. Last evaluated: 2023-12-26. Review status: criteria provided, single submitter. Criteria: Invitae Variant Classification Sherloc (09022015). Collection method: clinical testing. Allele origin: germline.
Comment: This sequence change replaces arginine, which is basic and polar, with leucine, which is neutral and non-polar, at codon 2383 of the DYNC1H1 protein (p.Arg2383Leu). This variant is not present in population databases (gnomAD no frequency). This variant has not been reported in the literature in individuals affected with DYNC1H1-related conditions. Advanced modeling of protein sequence and biophysical properties (such as structural, functional, and spatial information, amino acid conservation, physicochemical variation, residue mobility, and thermodynamic stability) has been performed at Invitae for this missense variant, however the output from this modeling did not meet the statistical confidence thresholds required to predict the impact of this variant on DYNC1H1 protein function. In summary, the available evidence is currently insufficient to determine the role of this variant in disease. Therefore, it has been classified as a Variant of Uncertain Significance.